The following is an entry in ClinVar:

ClinVar aggregate classification (germline): Pathogenic. Review status: criteria provided, multiple submitters, no conflicts (2 of 4 stars). 4 submissions from 4 submitters: Pathogenic (2). 2 of the submissions do not count toward it. Last evaluated 2025-08-25.

Conditions:
Congenital generalized lipodystrophy type 2 (CGL2). Also called: Berardinelli-Seip Congenital Lipodystrophy Type 2; SEIP SYNDROME; BERARDINELLI SYNDROME; BRUNZELL SYNDROME, BSCL2-RELATED. Identifiers: Orphanet 528, Orphanet 696289, MedGen C1720863, MONDO:0010020, OMIM 269700.
Berardinelli-Seip congenital lipodystrophy. Identifiers: Orphanet 528, MedGen CN262437, MONDO:0018883.

Allele frequency attached by ClinVar (database versions not stated): gnomAD exomes below 0.00001; TOPMed below 0.00001.
gnomAD v4.1: 1 of 1,613,706 alleles (0.000062%); highest among the groups gnomAD compares: South Asian, 0.0011%; no homozygotes.

Submissions (4):

Dasa
Classification: Pathogenic. Last evaluated: 2025-08-25. Review status: criteria provided, single submitter. Criteria: DASA Assertion Criteria. Collection method: clinical testing. Allele origin: germline.
Comment: NM_001122955.4(BSCL2):c.766-2A>G introduces a premature termination codon predicted to result in loss of normal protein function. Loss-of-function is an established mechanism of disease for this gene. This variant has been reported in individuals with related phenotype. The variant is present at low frequency in population datasets. Based on the available data, this variant is classified as pathogenic.

Mendelics
Classification: Pathogenic for Congenital generalized lipodystrophy type 2. Last evaluated: 2022-05-04. Review status: criteria provided, single submitter. Criteria: Mendelics Assertion Criteria 2019. Collection method: clinical testing. Allele origin: germline.

Inherited Neuropathy Consortium Ii, University Of Miami
Classification: Uncertain significance for Berardinelli-Seip congenital lipodystrophy. Last evaluated: 2016-01-06. Review status: no assertion criteria provided. Collection method: literature only. Allele origin: germline. Affected: yes. Not counted in ClinVar's aggregate classification.

GeneReviews
No classification provided. Condition: Congenital generalized lipodystrophy type 2. Review status: no classification provided. Collection method: literature only. Allele origin: germline. Affected: yes. Not counted in ClinVar's aggregate classification.

Literature cited by the submitters: PubMed 14557463 (cited by Inherited Neuropathy Consortium Ii, University Of Miami); NCBI Bookshelf NBK1212 (cited by GeneReviews).

NM_001122955.4(BSCL2):c.766-2A>G

Genes: BSCL2 (BSCL2 lipid droplet biogenesis associated, seipin; minus strand), HNRNPUL2-BSCL2 (HNRNPUL2-BSCL2 readthrough (NMD candidate); minus strand). Cytogenetic location: 11q12.3.
Variant type: single nucleotide variant.
Coding change: c.766-2A>G on transcript NM_001122955.4 (MANE Select); the canonical splice acceptor site of the intron before coding-DNA position 766, A replaced by G.
Molecular consequence: splice acceptor variant.
Genome position (GRCh38, 1-based): chr11:62,692,475, T>C on the plus strand (A>G on the coding strand, the complement: BSCL2 is on the minus strand). VCF-style: chr11-62692475-T-C. GRCh37 (hg19) VCF-style: chr11-62459947-T-C.
Other names: c.574-2A>G (NM_001130702.2, NM_032667.6); c.766-2A>G (NM_001386028.1, NM_001386027.1).
Identifiers: ClinVar variation 372117 (VCV000372117.6), dbSNP rs1013079991, ClinGen allele CA16042201.